The following is an entry in ClinVar:

ClinVar aggregate classification (germline): Conflicting classifications of pathogenicity. Review status: criteria provided, conflicting classifications (1 of 4 stars). 5 submissions from 5 submitters: Uncertain significance (1); Likely benign (4). Last evaluated 2026-03-24.

Conditions:
Autosomal recessive limb-girdle muscular dystrophy type 2J (LGMDR10). Also called: Limb-girdle muscular dystrophy, type 2J; MUSCULAR DYSTROPHY, LIMB-GIRDLE, AUTOSOMAL RECESSIVE 10. Identifiers: Orphanet 140922, MedGen C1837342, MONDO:0012127, OMIM 608807.
Dilated cardiomyopathy 1G (CMD1G). Identifiers: Orphanet 154, MedGen C1858763, MONDO:0011400, OMIM 604145.
Cardiovascular phenotype. Identifiers: MedGen CN230736.
TTN-related disorder. Also called: TTN-related condition; TTN-related disease; TTN-related disorders.

Allele frequency attached by ClinVar (database versions not stated): gnomAD exomes below 0.00001; TOPMed 0.00002.
gnomAD v4.1: 7 of 1,611,624 alleles (0.00043%); highest among the groups gnomAD compares: African/African-American, 0.0094%; no homozygotes.

Submissions (5):

PreventionGenetics, part of Exact Sciences
Classification: Likely benign for TTN-related condition. Last evaluated: 2026-03-24. Review status: criteria provided, single submitter. Criteria: ACMG Guidelines, 2015. Collection method: clinical testing. Allele origin: germline.
Comment: This variant is classified as likely benign based on ACMG/AMP sequence variant interpretation guidelines (Richards et al. 2015 PMID: 25741868, with internal and published modifications).

Labcorp Genetics (formerly Invitae), Labcorp
Classification: Likely benign for Dilated cardiomyopathy 1G; Autosomal recessive limb-girdle muscular dystrophy type 2J. Last evaluated: 2026-01-17. Review status: criteria provided, single submitter. Criteria: Invitae Variant Classification Sherloc (09022015). Collection method: clinical testing. Allele origin: germline.

Ambry Genetics
Classification: Likely benign for Cardiovascular phenotype. Last evaluated: 2020-08-09. Review status: criteria provided, single submitter. Criteria: Ambry Variant Classification Scheme 2023. Collection method: clinical testing. Allele origin: germline.

Eurofins Ntd Llc (ga)
Classification: Uncertain significance. Last evaluated: 2017-05-11. Review status: criteria provided, single submitter. Criteria: EGL Classification Definitions 2015. Collection method: clinical testing. Allele origin: germline. Observed: 1 variant allele, 1 heterozygote.

GeneDx
Classification: Likely benign. Last evaluated: 2017-04-19. Review status: criteria provided, single submitter. Criteria: GeneDx Variant Classification (06012015). Collection method: clinical testing. Allele origin: germline. Affected: yes.
Comment: This variant is considered likely benign or benign based on one or more of the following criteria: it is a conservative change, it occurs at a poorly conserved position in the protein, it is predicted to be benign by multiple in silico algorithms, and/or has population frequency not consistent with disease.

NM_001267550.2(TTN):c.69876A>C (p.Thr23292=)

Genes: TTN (titin; minus strand), TTN-AS1 (TTN antisense RNA 1; plus strand), LOC126806422 (BRD4-independent group 4 enhancer GRCh37_chr2:179440205-179441404; plus strand). Cytogenetic location: 2q31.2.
Variant type: single nucleotide variant.
Coding change: c.69876A>C on transcript NM_001267550.2 (MANE Select); coding-DNA position 69876, A replaced by C.
Protein change: p.Thr23292=; no amino-acid change (threonine 23292 retained).
Molecular consequence: synonymous variant.
Genome position (GRCh38, 1-based): chr2:178,576,256, T>G on the plus strand (A>C on the coding strand, the complement: TTN is on the minus strand). VCF-style: chr2-178576256-T-G. GRCh37 (hg19) VCF-style: chr2-179440983-T-G.
Other names: c.64953A>C, p.Thr21651= (NM_001256850.1); c.42681A>C, p.Thr14227= (NM_003319.4); c.62172A>C, p.Thr20724= (NM_133378.4); c.43056A>C, p.Thr14352= (NM_133432.3); c.43257A>C, p.Thr14419= (NM_133437.4).
Identifiers: ClinVar variation 501671 (VCV000501671.17), dbSNP rs1267766480, ClinGen allele CA430258960.